The following is an entry in ClinVar:

NM_138295.5(PKD1L1):c.7751G>A (p.Gly2584Glu)

Genes: PKD1L1 (polycystin 1 like 1, transient receptor potential channel interacting; minus strand), PKD1L1-AS1 (PKD1L1 antisense RNA 1; plus strand). Cytogenetic location: 7p12.3.
Variant type: single nucleotide variant.
Coding change: c.7751G>A on transcript NM_138295.5 (MANE Select); coding-DNA position 7751, G replaced by A.
Protein change: p.Gly2584Glu; replaces glycine 2584 with glutamic acid.
Molecular consequence: missense variant.
Genome position (GRCh38, 1-based): chr7:47,808,323, C>T on the plus strand (G>A on the coding strand, the complement: PKD1L1 is on the minus strand). VCF-style: chr7-47808323-C-T. GRCh37 (hg19) VCF-style: chr7-47847921-C-T.
Other names: short protein forms G2584E.
Identifiers: ClinVar variation 4535311 (VCV004535311.6).

ClinVar aggregate classification (germline): Uncertain significance (1 of 4 stars; one submission).

Submission:

CeGaT Center for Human Genetics Tuebingen
Classification: Uncertain significance. Last evaluated: 2025-11-01. Review status: criteria provided, single submitter. Criteria: CeGaT Center For Human Genetics Tuebingen Variant Classification Criteria Version 2. Collection method: clinical testing. Allele origin: germline. Affected: yes. Observed: 1 variant allele.
Comment: PKD1L1: PM2, BP4